The following is an entry in ClinVar:

NM_000057.4(BLM):c.980C>G (p.Thr327Ser)

Gene: BLM (BLM RecQ like helicase; plus strand). Cytogenetic location: 15q26.1.
Variant type: single nucleotide variant.
Coding change: c.980C>G on transcript NM_000057.4 (MANE Select); coding-DNA position 980, C replaced by G.
Protein change: p.Thr327Ser; replaces threonine 327 with serine.
Molecular consequence: missense variant. On other transcripts: 5 prime UTR variant (1).
Genome position (GRCh38, 1-based): chr15:90,754,831, C>G. VCF-style: chr15-90754831-C-G. GRCh37 (hg19) VCF-style: chr15-91298061-C-G.
Other names: c.980C>G, p.Thr327Ser (NM_001287246.2, NM_001287247.2); c.-312C>G (NM_001287248.2); short protein forms T327S.
Identifiers: ClinVar variation 645563 (VCV000645563.10), dbSNP rs748581308, ClinGen allele CA274731572.
Genomic context (GRCh38, chr15:90,754,831, plus strand): 5'-GCCTATAGTATGATTGGCTTAACATTTTTTTTATTTGCAGTACGTTAAAGGACCTTGACA[C>G]CTCTGACAGAAAAGAGGATGTTCTTAGCACATCAAAAGATCTTTTGTCAAAACCTGAGAA-3'
Protein context (NP_000048.1, residues 317-337): KCLSTLKDLD[Thr327Ser]SDRKEDVLST

ClinVar aggregate classification (germline): Uncertain significance. Review status: criteria provided, multiple submitters, no conflicts (2 of 4 stars). 2 submissions from 2 submitters: Uncertain significance (2). Last evaluated 2024-01-18.

Conditions:
Bloom syndrome (BLM). Also called: Bloom-Torre-Machacek syndrome. Identifiers: Orphanet 125, MedGen C0005859, MONDO:0008876, OMIM 210900.

Submissions (2):

Quest Diagnostics Nichols Institute San Juan Capistrano
Classification: Uncertain significance. Last evaluated: 2024-01-18. Review status: criteria provided, single submitter. Criteria: Quest Diagnostics criteria. Collection method: clinical testing. Allele origin: unknown.
Comment: The BLM c.980C>G (p.Thr327Ser) variant has not been reported in individuals with BLM-related conditions in the published literature. It also has not been reported in large, multi-ethnic general populations (Genome Aggregation Database). Analysis of this variant using bioinformatics tools for the prediction of the effect of amino acid changes on protein structure and function yielded predictions that this variant is benign. Based on the available information, we are unable to determine the clinical significance of this variant.

Labcorp Genetics (formerly Invitae), Labcorp
Classification: Uncertain significance for Bloom syndrome. Last evaluated: 2022-09-13. Review status: criteria provided, single submitter. Criteria: Invitae Variant Classification Sherloc (09022015). Collection method: clinical testing. Allele origin: germline.
Comment: This sequence change replaces threonine, which is neutral and polar, with serine, which is neutral and polar, at codon 327 of the BLM protein (p.Thr327Ser). This variant is not present in population databases (gnomAD no frequency). This variant has not been reported in the literature in individuals affected with BLM-related conditions. ClinVar contains an entry for this variant (Variation ID: 645563). Advanced modeling of protein sequence and biophysical properties (such as structural, functional, and spatial information, amino acid conservation, physicochemical variation, residue mobility, and thermodynamic stability) performed at Invitae indicates that this missense variant is not expected to disrupt BLM protein function. In summary, the available evidence is currently insufficient to determine the role of this variant in disease. Therefore, it has been classified as a Variant of Uncertain Significance.